The following is an entry in ClinVar:

ClinVar aggregate classification (germline): Uncertain significance (1 of 4 stars; one submission).

Conditions:
Dyskeratosis congenita. Identifiers: Orphanet 1775, MedGen C0265965, MONDO:0015780.

Submission:

Labcorp Genetics (formerly Invitae), Labcorp
Classification: Uncertain significance for Dyskeratosis congenita. Last evaluated: 2021-10-05. Review status: criteria provided, single submitter. Criteria: Invitae Variant Classification Sherloc (09022015). Collection method: clinical testing. Allele origin: germline.
Comment: This variant is not present in population databases (ExAC no frequency). In summary, the available evidence is currently insufficient to determine the role of this variant in disease. Therefore, it has been classified as a Variant of Uncertain Significance. Variants that disrupt the consensus splice site are a relatively common cause of aberrant splicing (PMID: 17576681, 9536098). Algorithms developed to predict the effect of sequence changes on RNA splicing suggest that this variant may disrupt the consensus splice site. This variant has not been reported in the literature in individuals affected with TINF2-related conditions. This sequence change falls in intron 2 of the TINF2 gene. It does not directly change the encoded amino acid sequence of the TINF2 protein. It affects a nucleotide within the consensus splice site of the intron.

Literature cited by the submitters: PubMed 17576681; PubMed 9536098.

NM_001099274.3(TINF2):c.297+5G>A

Gene: TINF2 (TERF1 interacting nuclear factor 2; minus strand). Cytogenetic location: 14q12.
Variant type: single nucleotide variant.
Coding change: c.297+5G>A on transcript NM_001099274.3 (MANE Select); 5 bases into the intron after coding-DNA position 297, G replaced by A.
Molecular consequence: intron variant.
Genome position (GRCh38, 1-based): chr14:24,241,885, C>T on the plus strand (G>A on the coding strand, the complement: TINF2 is on the minus strand). VCF-style: chr14-24241885-C-T. GRCh37 (hg19) VCF-style: chr14-24711091-C-T.
Other names: c.297+5G>A (NM_012461.3); c.193-109G>A (NM_001363668.2).
Identifiers: ClinVar variation 1347026 (VCV001347026.6), dbSNP rs2139002864, ClinGen allele CA2573149805.